The following is an entry in ClinVar:

NM_020461.4(TUBGCP6):c.4177G>T (p.Ala1393Ser)

Gene: TUBGCP6 (tubulin gamma complex component 6; minus strand). Cytogenetic location: 22q13.33.
Variant type: single nucleotide variant.
Coding change: c.4177G>T on transcript NM_020461.4 (MANE Select); coding-DNA position 4177, G replaced by T.
Protein change: p.Ala1393Ser; replaces alanine 1393 with serine.
Molecular consequence: missense variant.
Genome position (GRCh38, 1-based): chr22:50,219,782, C>A on the plus strand (G>T on the coding strand, the complement: TUBGCP6 is on the minus strand). VCF-style: chr22-50219782-C-A. GRCh37 (hg19) VCF-style: chr22-50658211-C-A.
Other names: short protein forms A1393S.
Identifiers: ClinVar variation 2006067 (VCV002006067.4), dbSNP rs1190774047, ClinGen allele CA412176013.
Genomic context (GRCh38, chr22:50,219,782, plus strand): 5'-CCTGAGCCTCCGCCGCCGATGCCTCCGCCTCCTCACCACGGCCTGGGCTGCTCTGGGCAG[C>A]TGTGTCTTCCTAACAAAACACCAGCCTCAGAACCACCTCCCCACTGCACGCTGTCCCCAC-3'
Protein context (NP_065194.3, residues 1383-1403): NWPLNSQEDT[Ala1393Ser]AQSSPGRGEE

ClinVar aggregate classification (germline): Uncertain significance (1 of 4 stars; one submission).

Submission:

Labcorp Genetics (formerly Invitae), Labcorp
Classification: Uncertain significance. Last evaluated: 2022-06-14. Review status: criteria provided, single submitter. Criteria: Invitae Variant Classification Sherloc (09022015). Collection method: clinical testing. Allele origin: germline.
Comment: This variant is not present in population databases (gnomAD no frequency). In summary, the available evidence is currently insufficient to determine the role of this variant in disease. Therefore, it has been classified as a Variant of Uncertain Significance. Algorithms developed to predict the effect of missense changes on protein structure and function are either unavailable or do not agree on the potential impact of this missense change (SIFT: "Tolerated"; PolyPhen-2: "Possibly Damaging"; Align-GVGD: "Class C0"). This variant has not been reported in the literature in individuals affected with TUBGCP6-related conditions. This sequence change replaces alanine, which is neutral and non-polar, with serine, which is neutral and polar, at codon 1393 of the TUBGCP6 protein (p.Ala1393Ser).